The following is an entry in ClinVar:

ClinVar aggregate classification (germline): Pathogenic/Likely pathogenic. Review status: criteria provided, multiple submitters, no conflicts (2 of 4 stars). 2 submissions from 2 submitters: Pathogenic (1); Likely pathogenic (1). Last evaluated 2025-12-26.

Conditions:
Niemann-Pick disease, type C1. Also called: NEUROVISCERAL STORAGE DISEASE WITH VERTICAL SUPRANUCLEAR OPHTHALMOPLEGIA; NIEMANN-PICK DISEASE WITH CHOLESTEROL ESTERIFICATION BLOCK; NIEMANN-PICK DISEASE WITHOUT SPHINGOMYELINASE DEFICIENCY; NIEMANN-PICK DISEASE, CHRONIC NEURONOPATHIC FORM; NIEMANN-PICK DISEASE, VARIANT TYPE C1. Identifiers: Orphanet 646, MedGen C3179455, MONDO:0009757, OMIM 257220.

Allele frequency attached by ClinVar (database versions not stated): gnomAD 0.00001; ExAC 0.00003; gnomAD exomes 0.00003 and 0.00005.
gnomAD v4.1: 46 of 1,613,932 alleles (0.0029%); highest among the groups gnomAD compares: South Asian, 0.042%; no homozygotes.

Submissions (2):

Natera, Inc.
Classification: Likely pathogenic for Niemann-Pick disease type C1. Last evaluated: 2025-12-26. Review status: criteria provided, single submitter. Criteria: Natera Variant Classification Schema (03/2026). Collection method: clinical testing. Allele origin: germline.
Comment: The c.1123A>G variant in NPC1 is a missense variant predicted to cause substitution of threonine to alanine at amino acid 375. This variant is rare in the general population with a frequency below the threshold expected for the associated phenotype(s). This variant has been observed in one or more individuals affected with the associated recessive disease, as either homozygous or compound heterozygous with a second variant (PMID: 32745579, 39286960). Additionally, this variant has been observed to segregate in affected family members (PMID: 26771826). Computational prediction algorithms indicate this variant is likely to affect gene or protein function. Given the available evidence, this variant is classified as Likely Pathogenic.

Labcorp Genetics (formerly Invitae), Labcorp
Classification: Pathogenic for Niemann-Pick disease, type C1. Last evaluated: 2024-02-14. Review status: criteria provided, single submitter. Criteria: Invitae Variant Classification Sherloc (09022015). Collection method: clinical testing. Allele origin: germline.
Comment: This sequence change replaces threonine, which is neutral and polar, with alanine, which is neutral and non-polar, at codon 375 of the NPC1 protein (p.Thr375Ala). This variant is present in population databases (rs746372120, gnomAD 0.04%). This missense change has been observed in individual(s) with Niemann-Pick type C (PMID: 28222799). In at least one individual the data is consistent with being in trans (on the opposite chromosome) from a pathogenic variant. It has also been observed to segregate with disease in related individuals. ClinVar contains an entry for this variant (Variation ID: 1068516). Advanced modeling of protein sequence and biophysical properties (such as structural, functional, and spatial information, amino acid conservation, physicochemical variation, residue mobility, and thermodynamic stability) performed at Invitae indicates that this missense variant is expected to disrupt NPC1 protein function with a positive predictive value of 95%. This variant disrupts the p.Thr375 amino acid residue in NPC1. Other variant(s) that disrupt this residue have been determined to be pathogenic (PMID: 28808920). This suggests that this residue is clinically significant, and that variants that disrupt this residue are likely to be disease-causing. For these reasons, this variant has been classified as Pathogenic.

Literature cited by the submitters: PubMed 32745579 (cited by Natera, Inc.); PubMed 39286960 (cited by Natera, Inc.); PubMed 26771826 (cited by Natera, Inc.); PubMed 28222799 (cited by Labcorp Genetics (formerly Invitae), Labcorp); PubMed 28808920 (cited by Labcorp Genetics (formerly Invitae), Labcorp).

NM_000271.5(NPC1):c.1123A>G (p.Thr375Ala)

Gene: NPC1 (NPC intracellular cholesterol transporter 1; minus strand). Cytogenetic location: 18q11.2.
Variant type: single nucleotide variant.
Coding change: c.1123A>G on transcript NM_000271.5 (MANE Select); coding-DNA position 1123, A replaced by G.
Protein change: p.Thr375Ala; replaces threonine 375 with alanine.
Molecular consequence: missense variant.
Genome position (GRCh38, 1-based): chr18:23,556,446, T>C on the plus strand (A>G on the coding strand, the complement: NPC1 is on the minus strand). VCF-style: chr18-23556446-T-C. GRCh37 (hg19) VCF-style: chr18-21136410-T-C.
Other names: c.1123A>G (NM_000271.4); short protein forms T375A.
Identifiers: ClinVar variation 1068516 (VCV001068516.10), dbSNP rs746372120, ClinGen allele CA8913531.
Genomic context (GRCh38, chr18:23,556,446, plus strand): 5'-AGTACTCTTTTTCCAGGCGAGCCTGGCTGCTGGGGGCTGACCAGAGGTCAACTGGATTGG[T>C]TGTGACCCGGACAAACACCAGGCCTGACGAACACGCAGTAATGAAGACCAGCGAGAAGAA-3'
Protein context (NP_000262.2, residues 365-385): SSGLVFVRVT[Thr375Ala]NPVDLWSAPS